The following is an entry in ClinVar:

NM_152564.5(VPS13B):c.8072A>G (p.Gln2691Arg)

Gene: VPS13B (vacuolar protein sorting 13 homolog B; plus strand). Cytogenetic location: 8q22.2.
Variant type: single nucleotide variant.
Coding change: c.8072A>G on transcript NM_152564.5 (MANE Select); coding-DNA position 8072, A replaced by G.
Protein change: p.Gln2691Arg; replaces glutamine 2691 with arginine.
Molecular consequence: missense variant.
Genome position (GRCh38, 1-based): chr8:99,809,505, A>G. VCF-style: chr8-99809505-A-G. GRCh37 (hg19) VCF-style: chr8-100821733-A-G.
Other names: c.8147A>G, p.Gln2716Arg (NM_017890.5); short protein forms Q2691R, Q2716R.
Identifiers: ClinVar variation 5000850 (VCV005000850.1).
Genomic context (GRCh38, chr8:99,809,505, plus strand): 5'-GGACTTTTATTAGAACAATTCAGTACAGGGGTCGAACTGCTTCTCTCATCATCAAGGTTC[A>G]GCAACTCAATGGAGTACAAAAACAGGTAAGTTTCTTTGTGTTCATGACCCAGACACCTCT-3'
Protein context (NP_689777.3, residues 2681-2701): GRTASLIIKV[Gln2691Arg]QLNGVQKQII

ClinVar aggregate classification (germline): Uncertain significance (1 of 4 stars; one submission).

Conditions:
VPS13B-related disorder. Also called: VPS13B-related condition.

gnomAD v4.1: 1 of 1,614,070 alleles (0.000062%); highest among the groups gnomAD compares: Non-Finnish European, 0.000085%; no homozygotes.

Submission:

PreventionGenetics, part of Exact Sciences
Classification: Uncertain significance for VPS13B-related condition. Last evaluated: 2025-10-06. Review status: criteria provided, single submitter. Criteria: ACMG Guidelines, 2015. Collection method: clinical testing. Allele origin: germline.
Comment: The VPS13B c.8072A>G variant is predicted to result in the amino acid substitution p.Gln2691Arg. To our knowledge, this variant has not been reported in the literature or in a large population database (gnomAD), indicating this variant is rare. At this time, the clinical significance of this variant is uncertain due to the absence of conclusive functional and genetic evidence.